The following is an entry in ClinVar:

NC_000011.9:g.(?_94209445)_(94225967_?)dup

Gene: MRE11 (MRE11 homolog, double strand break repair nuclease; minus strand). Cytogenetic location: 11q21.
Variant type: Duplication.
Identifiers: ClinVar variation 3244642 (VCV003244642.1).

ClinVar aggregate classification (germline): Uncertain significance (1 of 4 stars; one submission).

Conditions:
Ataxia-telangiectasia-like disorder (ATLD). Identifiers: MedGen C1858391, MONDO:0011457.

Submission:

Labcorp Genetics (formerly Invitae), Labcorp
Classification: Uncertain significance for Ataxia-telangiectasia-like disorder. Last evaluated: 2023-08-31. Review status: criteria provided, single submitter. Criteria: Invitae Variant Classification Sherloc (09022015). Collection method: clinical testing. Allele origin: unknown.
Comment: In summary, the available evidence is currently insufficient to determine the role of this variant in disease. Therefore, it has been classified as a Variant of Uncertain Significance. This variant has not been reported in the literature in individuals affected with MRE11-related conditions. This variant results in a copy number gain of the genomic region encompassing exon(s) 2-7 of the MRE11 gene. This region includes the initiator codon of the gene. This copy number gain extends beyond the assayed region for this gene and therefore may encompass additional genes. As the precise location of this event is unknown, it may be in tandem or it may be located elsewhere in the genome.